The following is an entry in ClinVar:

ClinVar aggregate classification (germline): Uncertain significance (1 of 4 stars; one submission).

Conditions:
Charcot-Marie-Tooth disease type 2. Also called: Charcot-Marie-Tooth type 2. Identifiers: Orphanet 64746, MedGen C0270914, MONDO:0018993.

Allele frequency attached by ClinVar (database versions not stated): gnomAD 0.00001.
gnomAD v4.1: 4 of 1,609,710 alleles (0.00025%); highest among the groups gnomAD compares: African/African-American, 0.0027%; no homozygotes.

Submission:

Labcorp Genetics (formerly Invitae), Labcorp
Classification: Uncertain significance for Charcot-Marie-Tooth disease type 2. Last evaluated: 2024-10-15. Review status: criteria provided, single submitter. Criteria: Invitae Variant Classification Sherloc (09022015). Collection method: clinical testing. Allele origin: germline.
Comment: This sequence change replaces isoleucine, which is neutral and non-polar, with valine, which is neutral and non-polar, at codon 140 of the GARS protein (p.Ile140Val). This variant is present in population databases (no rsID available, gnomAD 0.005%). This variant has not been reported in the literature in individuals affected with GARS-related conditions. ClinVar contains an entry for this variant (Variation ID: 1952437). Invitae Evidence Modeling of protein sequence and biophysical properties (such as structural, functional, and spatial information, amino acid conservation, physicochemical variation, residue mobility, and thermodynamic stability) indicates that this missense variant is not expected to disrupt GARS protein function with a negative predictive value of 80%. In summary, the available evidence is currently insufficient to determine the role of this variant in disease. Therefore, it has been classified as a Variant of Uncertain Significance.

NM_002047.4(GARS1):c.418A>G (p.Ile140Val)

Gene: GARS1 (glycyl-tRNA synthetase 1; plus strand). Cytogenetic location: 7p14.3.
Variant type: single nucleotide variant.
Coding change: c.418A>G on transcript NM_002047.4 (MANE Select); coding-DNA position 418, A replaced by G.
Protein change: p.Ile140Val; replaces isoleucine 140 with valine.
Molecular consequence: missense variant.
Genome position (GRCh38, 1-based): chr7:30,600,040, A>G. VCF-style: chr7-30600040-A-G. GRCh37 (hg19) VCF-style: chr7-30639656-A-G.
Other names: c.256A>G, p.Ile86Val (NM_001316772.1); short protein forms I86V, I140V.
Identifiers: ClinVar variation 1952437 (VCV001952437.5), dbSNP rs888805042, ClinGen allele CA156099507.
Genomic context (GRCh38, chr7:30,600,040, plus strand): 5'-GACCGAGCAAAAATGGAAGATACCCTGAAGAGGAGGTTTTTCTATGATCAAGCTTTTGCT[A>G]TTTATGGAGGTAAGGGATTAATGACAAAAAGAACTATTGTGTTGTTAGTGGCTCTAATAT-3'
Protein context (NP_002038.2, residues 130-150): RRFFYDQAFA[Ile140Val]YGGVSGLYDF